The following is an entry in ClinVar:

NM_000153.4(GALC):c.453G>A (p.Trp151Ter)

Gene: GALC (galactosylceramidase; minus strand). Cytogenetic location: 14q31.3.
Variant type: single nucleotide variant.
Coding change: c.453G>A on transcript NM_000153.4 (MANE Select); coding-DNA position 453, G replaced by A.
Protein change: p.Trp151Ter; replaces tryptophan 151 with a stop codon.
Molecular consequence: nonsense.
Genome position (GRCh38, 1-based): chr14:87,984,523, C>T on the plus strand (G>A on the coding strand, the complement: GALC is on the minus strand). VCF-style: chr14-87984523-C-T. GRCh37 (hg19) VCF-style: chr14-88450867-C-T.
Other names: c.384G>A, p.Trp128Ter (NM_001201401.2); c.375G>A, p.Trp125Ter (NM_001201402.2); short protein forms W125*, W128*, W151*.
Identifiers: ClinVar variation 642301 (VCV000642301.17), dbSNP rs745620101, ClinGen allele CA7297355.

ClinVar aggregate classification (germline): Pathogenic/Likely pathogenic. Review status: criteria provided, multiple submitters, no conflicts (2 of 4 stars). 5 submissions from 5 submitters: Pathogenic (3); Likely pathogenic (2). Last evaluated 2025-09-07.

Conditions:
Galactosylceramide beta-galactosidase deficiency. Also called: Leukodystrophy, Globoid Cell; GALACTOCEREBROSIDASE DEFICIENCY; GALC DEFICIENCY; GLOBOID CELL LEUKOENCEPHALOPATHY; Krabbe Disease. Identifiers: Orphanet 487, MedGen C0023521, MONDO:0009499, OMIM 245200.
GALC-related disorder. Also called: GALC-related condition.

Allele frequency attached by ClinVar (database versions not stated): gnomAD exomes below 0.00001; ExAC 0.00001.
gnomAD v4.1: 1 of 1,614,046 alleles (0.000062%); highest among the groups gnomAD compares: Non-Finnish European, 0.000085%; no homozygotes.

Submissions (5):

Natera, Inc.
Classification: Pathogenic for Galactosylceramide beta-galactosidase deficiency. Last evaluated: 2025-09-07. Review status: criteria provided, single submitter. Criteria: Natera Variant Classification Schema (03/2026). Collection method: clinical testing. Allele origin: germline.
Comment: The c.453G>A variant in GALC is a nonsense variant predicted to introduce a stop codon at amino acid 151. This variant is expected to result in nonsense mediated decay, truncation, or a dysfunctional protein product. This variant is rare in the general population with a frequency below the threshold expected for the associated phenotype(s). This variant has been observed in one or more individuals affected with the associated recessive disease, as either homozygous or compound heterozygous with a second variant (PMID: 32912261). Given the available evidence, this variant is classified as Pathogenic.

PreventionGenetics, part of Exact Sciences
Classification: Likely pathogenic for GALC-related condition. Last evaluated: 2025-01-21. Review status: criteria provided, single submitter. Criteria: ACMG Guidelines, 2015. Collection method: clinical testing. Allele origin: germline.
Comment: The GALC c.453G>A variant is predicted to result in premature protein termination (p.Trp151*). To our knowledge, this variant has not been reported in the literature. This variant is reported in 0.00088% of alleles in individuals of European (Non-Finnish) descent in gnomAD. Nonsense variants in GALC are expected to be pathogenic. This variant is interpreted as likely pathogenic.

Labcorp Genetics (formerly Invitae), Labcorp
Classification: Pathogenic for Galactosylceramide beta-galactosidase deficiency. Last evaluated: 2023-06-16. Review status: criteria provided, single submitter. Criteria: Invitae Variant Classification Sherloc (09022015). Collection method: clinical testing. Allele origin: germline.
Comment: This variant has not been reported in the literature in individuals affected with GALC-related conditions. For these reasons, this variant has been classified as Pathogenic. ClinVar contains an entry for this variant (Variation ID: 642301). This variant is present in population databases (rs745620101, gnomAD 0.0009%). This sequence change creates a premature translational stop signal (p.Trp151*) in the GALC gene. It is expected to result in an absent or disrupted protein product. Loss-of-function variants in GALC are known to be pathogenic (PMID: 7437911, 9272171, 16607461).

Revvity Omics, Revvity
Classification: Pathogenic. Last evaluated: 2022-11-14. Review status: criteria provided, single submitter. Criteria: ACMG Guidelines, 2015. Collection method: clinical testing. Allele origin: germline.

Fulgent Genetics
Classification: Likely pathogenic for Galactosylceramide beta-galactosidase deficiency. Last evaluated: 2022-02-15. Review status: criteria provided, single submitter. Criteria: ACMG Guidelines, 2015. Collection method: clinical testing. Allele origin: unknown.

Literature cited by the submitters: PubMed 32912261 (cited by Natera, Inc.); PubMed 7437911 (cited by Labcorp Genetics (formerly Invitae), Labcorp); PubMed 9272171 (cited by Labcorp Genetics (formerly Invitae), Labcorp); PubMed 16607461 (cited by Labcorp Genetics (formerly Invitae), Labcorp).